The following is an entry in ClinVar:

ClinVar aggregate classification (germline): Uncertain significance (1 of 4 stars; one submission).

Conditions:
PKD1-related disorder. Also called: PKD1-related condition.

gnomAD v4.1: 41 of 1,590,968 alleles (0.0026%); highest among the groups gnomAD compares: Admixed American, 0.055%; 1 homozygote.

Submission:

PreventionGenetics, part of Exact Sciences
Classification: Uncertain significance for PKD1-related condition. Last evaluated: 2026-04-24. Review status: criteria provided, single submitter. Criteria: ACMG Guidelines, 2015. Collection method: clinical testing. Allele origin: germline.
Comment: The PKD1 c.5824C>G variant is predicted to result in the amino acid substitution p.Arg1942Gly. To our knowledge, this variant has not been reported in the literature. This variant is reported in 0.038% of alleles in individuals of Latino descent in gnomAD. Although we suspect that this variant may be benign, at this time, the clinical significance of this variant is uncertain due to the absence of conclusive functional and genetic evidence.

NM_001009944.3(PKD1):c.5824C>G (p.Arg1942Gly)

Gene: PKD1 (polycystin 1, transient receptor potential channel interacting; minus strand). Cytogenetic location: 16p13.3.
Variant type: single nucleotide variant.
Coding change: c.5824C>G on transcript NM_001009944.3 (MANE Select); coding-DNA position 5824, C replaced by G.
Protein change: p.Arg1942Gly; replaces arginine 1942 with glycine.
Molecular consequence: missense variant.
Genome position (GRCh38, 1-based): chr16:2,109,343, G>C on the plus strand (C>G on the coding strand, the complement: PKD1 is on the minus strand). VCF-style: chr16-2109343-G-C. GRCh37 (hg19) VCF-style: chr16-2159344-G-C.
Other names: c.5824C>G, p.Arg1942Gly (NM_000296.4); short protein forms R1942G.
Identifiers: ClinVar variation 4999914 (VCV004999914.1).